The following is an entry in ClinVar:

NM_001005373.4(LRSAM1):c.1918A>G (p.Lys640Glu)

Gene: LRSAM1 (leucine rich repeat and sterile alpha motif containing 1; plus strand). Cytogenetic location: 9q34.11.
Variant type: single nucleotide variant.
Coding change: c.1918A>G on transcript NM_001005373.4 (MANE Select); coding-DNA position 1918, A replaced by G.
Protein change: p.Lys640Glu; replaces lysine 640 with glutamic acid.
Molecular consequence: missense variant. On other transcripts: non-coding transcript variant (2).
Genome position (GRCh38, 1-based): chr9:127,501,015, A>G. VCF-style: chr9-127501015-A-G. GRCh37 (hg19) VCF-style: chr9-130263294-A-G.
Other names: c.1918A>G, p.Lys640Glu (NM_001005374.4, NM_001384142.1, NM_138361.5); c.1837A>G, p.Lys613Glu (NM_001190723.3); c.1819A>G, p.Lys607Glu (NM_001384143.1); c.1129A>G, p.Lys377Glu (NM_001384144.1); short protein forms K613E, K640E, K607E, K377E.
Identifiers: ClinVar variation 2875253 (VCV002875253.3), dbSNP rs1836365918, ClinGen allele CA374938125.

ClinVar aggregate classification (germline): Uncertain significance (1 of 4 stars; one submission).

Conditions:
Charcot-Marie-Tooth disease axonal type 2P. Also called: CHARCOT-MARIE-TOOTH NEUROPATHY, TYPE 2P; Charcot-Marie-Tooth Neuropathy Type 2G; CHARCOT-MARIE-TOOTH DISEASE, AXONAL, TYPE 2G; CMT 2G. Identifiers: Orphanet 300319, Orphanet 99941, MedGen C3280797, MONDO:0013753, OMIM 614436.

Allele frequency attached by ClinVar (database versions not stated): gnomAD 0.00001.
gnomAD v4.1: 1 of 1,613,836 alleles (0.000062%); highest among the groups gnomAD compares: African/African-American, 0.0013%; no homozygotes.

Submission:

Labcorp Genetics (formerly Invitae), Labcorp
Classification: Uncertain significance for Charcot-Marie-Tooth disease axonal type 2P. Last evaluated: 2023-02-20. Review status: criteria provided, single submitter. Criteria: Invitae Variant Classification Sherloc (09022015). Collection method: clinical testing. Allele origin: germline.
Comment: In summary, the available evidence is currently insufficient to determine the role of this variant in disease. Therefore, it has been classified as a Variant of Uncertain Significance. Advanced modeling of protein sequence and biophysical properties (such as structural, functional, and spatial information, amino acid conservation, physicochemical variation, residue mobility, and thermodynamic stability) performed at Invitae indicates that this missense variant is not expected to disrupt LRSAM1 protein function. This variant is not present in population databases (gnomAD no frequency). This variant has not been reported in the literature in individuals affected with LRSAM1-related conditions. This sequence change replaces lysine, which is basic and polar, with glutamic acid, which is acidic and polar, at codon 640 of the LRSAM1 protein (p.Lys640Glu).